The following is an entry in ClinVar:

NM_005670.4(EPM2A):c.743C>T (p.Ala248Val)

Gene: EPM2A (EPM2A glucan phosphatase, laforin; minus strand). Cytogenetic location: 6q24.3.
Variant type: single nucleotide variant.
Coding change: c.743C>T on transcript NM_005670.4 (MANE Select); coding-DNA position 743, C replaced by T.
Protein change: p.Ala248Val; replaces alanine 248 with valine.
Molecular consequence: missense variant. On other transcripts: synonymous variant (1), non-coding transcript variant (1).
Genome position (GRCh38, 1-based): chr6:145,627,669, G>A on the plus strand (C>T on the coding strand, the complement: EPM2A is on the minus strand). VCF-style: chr6-145627669-G-A. GRCh37 (hg19) VCF-style: chr6-145948805-G-A.
Other names: c.743C>T, p.Ala248Val (NM_001018041.2); c.501C>T, p.Gly167= (NM_001360057.2); c.329C>T, p.Ala110Val (NM_001360064.2, NM_001360071.2, NM_001368131.1); c.281C>T, p.Ala94Val (NM_001368129.2, NM_001368132.1); short protein forms A248V, A110V, A94V.
Identifiers: ClinVar variation 411297 (VCV000411297.24), dbSNP rs374043005, ClinGen allele CA4035091.
Genomic context (GRCh38, chr6:145,627,669, plus strand): 5'-GCGTTGCAGTGCACGTACACGATGTGTCCCTTCTCCAGCAGCGCATGCAGCAGGCACACC[G>A]CCTGGGGCAGCATCTGTACTCGGCCTGCGGTGGGGAAAGCACAGCACACATGTGAATAAC-3'
Protein context (NP_005661.1, residues 238-258): TEGRVQMLPQ[Ala248Val]VCLLHALLEK

ClinVar aggregate classification (germline): Conflicting classifications of pathogenicity. Review status: criteria provided, conflicting classifications (1 of 4 stars). 9 submissions from 9 submitters: Uncertain significance (7); Likely benign (1). 1 of the submissions does not count toward it. Last evaluated 2025-12-04.

Conditions:
Myoclonic epilepsy of Lafora 1 (MELF1). Also called: EPM2A-Related Lafora Disease; EPILEPSY, PROGRESSIVE MYOCLONIC, 2A; LAFORA DISEASE 1; Epilepsy, progressive myoclonic 2A (Lafora). Identifiers: MedGen CN377204, MONDO:0958199, OMIM 254780.
Inborn genetic diseases. Identifiers: MedGen C0950123, MeSH D030342.
Progressive myoclonic epilepsy. Also called: Familial progressive myoclonic epilepsy; Myoclonus epilepsy; Progressive myoclonus epilepsy; Myoclonic Epilepsies, Progressive. Identifiers: Orphanet 308, Orphanet 98261, MedGen C0751778, MONDO:0020074.
Seizure. Also called: Seizures. Identifiers: MedGen C0036572, HP:0001250.

Allele frequency attached by ClinVar (database versions not stated): gnomAD 0.00011 and 0.00012; TOPMed 0.00014; ESP Exome Variant Server 0.00023; gnomAD exomes 0.00025 and 0.00030; ExAC 0.00046.
gnomAD v4.1: 373 of 1,614,012 alleles (0.023%); highest among the groups gnomAD compares: Non-Finnish European, 0.03%; 1 homozygote.

Submissions (9):

Ambry Genetics
Classification: Likely benign for Inborn genetic diseases. Last evaluated: 2025-12-04. Review status: criteria provided, single submitter. Criteria: Ambry Variant Classification Scheme 2023. Collection method: clinical testing. Allele origin: germline.

GeneDx
Classification: Uncertain significance. Last evaluated: 2025-06-17. Review status: criteria provided, single submitter. Criteria: GeneDx Variant Classification Process June 2021. Collection method: clinical testing. Allele origin: germline. Affected: yes.
Comment: In silico analysis supports that this missense variant has a deleterious effect on protein structure/function; Has not been previously published as pathogenic or benign to our knowledge

Blueprint Genetics
Classification: Uncertain significance. Last evaluated: 2024-09-02. Review status: criteria provided, single submitter. Criteria: ACMG Guidelines, 2015. Collection method: clinical testing. Allele origin: germline.

Mayo Clinic Laboratories, Mayo Clinic
Classification: Uncertain significance. Last evaluated: 2023-03-21. Review status: criteria provided, single submitter. Criteria: ACMG Guidelines, 2015. Collection method: clinical testing. Allele origin: germline. Observed: 4 variant alleles.

Labcorp Genetics (formerly Invitae), Labcorp
Classification: Uncertain significance for Progressive myoclonic epilepsy. Last evaluated: 2022-10-20. Review status: criteria provided, single submitter. Criteria: Invitae Variant Classification Sherloc (09022015). Collection method: clinical testing. Allele origin: germline.
Comment: This sequence change replaces alanine, which is neutral and non-polar, with valine, which is neutral and non-polar, at codon 248 of the EPM2A protein (p.Ala248Val). This variant is present in population databases (rs374043005, gnomAD 0.06%). This variant has not been reported in the literature in individuals affected with EPM2A-related conditions. ClinVar contains an entry for this variant (Variation ID: 411297). Algorithms developed to predict the effect of missense changes on protein structure and function (SIFT, PolyPhen-2, Align-GVGD) all suggest that this variant is likely to be disruptive. In summary, the available evidence is currently insufficient to determine the role of this variant in disease. Therefore, it has been classified as a Variant of Uncertain Significance.

Department of Pathology and Laboratory Medicine, Sinai Health System
Classification: Uncertain significance for Myoclonic epilepsy of Lafora 1. Last evaluated: 2021-07-30. Review status: criteria provided, single submitter. Criteria: ACMG Guidelines, 2015. Collection method: research. Allele origin: germline.

Eurofins Ntd Llc (ga)
Classification: Uncertain significance. Last evaluated: 2017-06-15. Review status: criteria provided, single submitter. Criteria: EGL Classification Definitions 2015. Collection method: clinical testing. Allele origin: germline. Observed: 1 variant allele, 1 heterozygote.

Athena Diagnostics
Classification: Uncertain significance. Last evaluated: 2016-11-10. Review status: criteria provided, single submitter. Criteria: Athena Diagnostics Criteria. Collection method: clinical testing. Allele origin: germline.

Clinical Molecular Genetics Laboratory, Johns Hopkins All Children's Hospital
Classification: Uncertain significance for Seizures. Last evaluated: 2017-08-25. Review status: no assertion criteria provided. Collection method: clinical testing. Allele origin: germline. Affected: yes. Not counted in ClinVar's aggregate classification.